The following is an entry in ClinVar:

ClinVar aggregate classification (germline): Conflicting classifications of pathogenicity. Review status: criteria provided, conflicting classifications (1 of 4 stars). 2 submissions from 2 submitters: Pathogenic (1); Uncertain significance (1). Last evaluated 2024-04-15.

Conditions:
Neurofibromatosis, type 1 (NF1). Also called: Peripheral type neurofibromatosis; NEUROFIBROMATOSIS, TYPE I, SOMATIC; Neurofibromatosis, type I; VON RECKLINGHAUSEN DISEASE. Identifiers: Orphanet 636, MedGen C0027831, MONDO:0018975, OMIM 162200. Disease mechanism: loss of function.

Submissions (2):

Labcorp Genetics (formerly Invitae), Labcorp
Classification: Pathogenic for Neurofibromatosis, type 1. Last evaluated: 2024-04-15. Review status: criteria provided, single submitter. Criteria: Invitae Variant Classification Sherloc (09022015). Collection method: clinical testing. Allele origin: germline.
Comment: This sequence change affects an acceptor splice site in intron 53 of the NF1 gene. It is expected to disrupt RNA splicing. Variants that disrupt the donor or acceptor splice site typically lead to a loss of protein function (PMID: 16199547), and loss-of-function variants in NF1 are known to be pathogenic (PMID: 10712197, 23913538). The frequency data for this variant in the population databases is considered unreliable, as metrics indicate poor data quality at this position in the gnomAD database. Disruption of this splice site has been observed in individual(s) with neurofibromatosis type 1 (PMID: 10712197). ClinVar contains an entry for this variant (Variation ID: 803379). Algorithms developed to predict the effect of sequence changes on RNA splicing suggest that this variant may disrupt the consensus splice site. For these reasons, this variant has been classified as Pathogenic.

Mendelics
Classification: Uncertain significance for Neurofibromatosis, type 1. Last evaluated: 2019-05-28. Review status: criteria provided, single submitter. Criteria: Mendelics Assertion Criteria 2017. Collection method: clinical testing. Allele origin: unknown.

Literature cited by the submitters: PubMed 16199547 (cited by Labcorp Genetics (formerly Invitae), Labcorp); PubMed 10712197 (cited by Labcorp Genetics (formerly Invitae), Labcorp); PubMed 23913538 (cited by Labcorp Genetics (formerly Invitae), Labcorp).

NM_001042492.3(NF1):c.7971-1G>T

Gene: NF1 (neurofibromin 1; plus strand). Cytogenetic location: 17q11.2.
Variant type: single nucleotide variant.
Coding change: c.7971-1G>T on transcript NM_001042492.3 (MANE Select); the canonical splice acceptor site of the intron before coding-DNA position 7971, G replaced by T.
Molecular consequence: splice acceptor variant.
Genome position (GRCh38, 1-based): chr17:31,358,479, G>T. VCF-style: chr17-31358479-G-T. GRCh37 (hg19) VCF-style: chr17-29685497-G-T.
Other names: c.7908-1G>T (NM_000267.4).
Identifiers: ClinVar variation 803379 (VCV000803379.3), dbSNP rs1417908560, ClinGen allele CA399203581.